The following is an entry in ClinVar:

NM_000051.4(ATM):c.2186A>G (p.Tyr729Cys)

Gene: ATM (ATM serine/threonine kinase; plus strand). Cytogenetic location: 11q22.3.
Variant type: single nucleotide variant.
Coding change: c.2186A>G on transcript NM_000051.4 (MANE Select); coding-DNA position 2186, A replaced by G.
Protein change: p.Tyr729Cys; replaces tyrosine 729 with cysteine.
Molecular consequence: missense variant.
Genome position (GRCh38, 1-based): chr11:108,256,276, A>G. VCF-style: chr11-108256276-A-G. GRCh37 (hg19) VCF-style: chr11-108127003-A-G.
Other names: c.2186A>G, p.Tyr729Cys (NM_001351834.2); short protein forms Y729C.
Identifiers: ClinVar variation 478948 (VCV000478948.13), dbSNP rs1555074940, ClinGen allele CA382538866.

ClinVar aggregate classification (germline): Uncertain significance. Review status: criteria provided, multiple submitters, no conflicts (2 of 4 stars). 2 submissions from 2 submitters: Uncertain significance (2). Last evaluated 2021-07-01.

Conditions:
Hereditary cancer-predisposing syndrome. Also called: Tumor predisposition; Neoplastic Syndromes, Hereditary; Hereditary Cancer Syndrome; Hereditary neoplastic syndrome. Identifiers: Orphanet 140162, MedGen C0027672, MeSH D009386, MONDO:0015356.
Ataxia-telangiectasia syndrome (AT). Also called: Cerebello-oculocutaneous telangiectasia; Immunodeficiency with ataxia telangiectasia; ATAXIA-TELANGIECTASIA, COMPLEMENTATION GROUP A; Ataxia-telangiectasia, complementation group D; AT, COMPLEMENTATION GROUP C; ATAXIA-TELANGIECTASIA, FRESNO VARIANT. Identifiers: Orphanet 100, MedGen C0004135, MONDO:0008840, OMIM 208900.

Submissions (2):

Labcorp Genetics (formerly Invitae), Labcorp
Classification: Uncertain significance for Ataxia-telangiectasia syndrome. Last evaluated: 2021-07-01. Review status: criteria provided, single submitter. Criteria: Invitae Variant Classification Sherloc (09022015). Collection method: clinical testing. Allele origin: germline.
Comment: This variant has not been reported in the literature in individuals affected with ATM-related conditions. This sequence change replaces tyrosine with cysteine at codon 729 of the ATM protein (p.Tyr729Cys). The tyrosine residue is moderately conserved and there is a large physicochemical difference between tyrosine and cysteine. This variant is not present in population databases (ExAC no frequency). ClinVar contains an entry for this variant (Variation ID: 478948). Advanced modeling of protein sequence and biophysical properties (such as structural, functional, and spatial information, amino acid conservation, physicochemical variation, residue mobility, and thermodynamic stability) performed at Invitae indicates that this missense variant is not expected to disrupt ATM protein function. In summary, the available evidence is currently insufficient to determine the role of this variant in disease. Therefore, it has been classified as a Variant of Uncertain Significance.

Ambry Genetics
Classification: Uncertain significance for Hereditary cancer-predisposing syndrome. Last evaluated: 2016-01-25. Review status: criteria provided, single submitter. Criteria: Ambry Variant Classification Scheme 2023. Collection method: clinical testing. Allele origin: germline.
Comment: The p.Y729C variant (also known as c.2186A>G), located in coding exon 13 of the ATM gene, results from an A to G substitution at nucleotide position 2186. The tyrosine at codon 729 is replaced by cysteine, an amino acid with highly dissimilar properties. This variant was not reported in population based cohorts in the following databases: Database of Single Nucleotide Polymorphisms (dbSNP), NHLBI Exome Sequencing Project (ESP), and 1000 Genomes Project. In the ESP, this variant was not observed in 6499 samples (12998 alleles) with coverage at this position. To date, this alteration has been detected with an allele frequency of approximately 0.001% (greater than 125000 alleles tested) in our clinical cohort. This amino acid position is highly conserved in available vertebrate species. In addition, this alteration is predicted to be deleterious by in silico analysis. Since supporting evidence is limited at this time, the clinical significance of this alteration remains unclear.